The following is an entry in ClinVar:

ClinVar aggregate classification (germline): Uncertain significance. Review status: criteria provided, multiple submitters, no conflicts (2 of 4 stars). 2 submissions from 2 submitters: Uncertain significance (2). Last evaluated 2025-09-14.

Conditions:
Autosomal recessive limb-girdle muscular dystrophy type 2A (LGMDR1). Also called: Calpainopathy; Muscular dystrophy, limb-girdle, type 2A, Amish; LEYDEN-MOEBIUS MUSCULAR DYSTROPHY; MUSCULAR DYSTROPHY, PELVOFEMORAL; Limb-girdle muscular dystrophy, type 2A. Identifiers: Orphanet 267, MedGen C1869123, MONDO:0009675, OMIM 253600. Disease mechanism: loss of function.

Allele frequency attached by ClinVar (database versions not stated): gnomAD exomes below 0.00001; gnomAD 0.00001.
gnomAD v4.1: 2 of 1,613,744 alleles (0.00012%); highest among the groups gnomAD compares: Non-Finnish European, 0.00017%; no homozygotes.

Submissions (2):

Labcorp Genetics (formerly Invitae), Labcorp
Classification: Uncertain significance for Autosomal recessive limb-girdle muscular dystrophy type 2A. Last evaluated: 2025-09-14. Review status: criteria provided, single submitter. Criteria: Invitae Variant Classification Sherloc (09022015). Collection method: clinical testing. Allele origin: germline.
Comment: This sequence change replaces leucine, which is neutral and non-polar, with proline, which is neutral and non-polar, at codon 212 of the CAPN3 protein (p.Leu212Pro). This variant is present in population databases (no rsID available, gnomAD 0.0009%). This missense change has been observed in individual(s) with clinical features of limb-girdle muscular dystrophy (PMID: 30564623, 36999564). ClinVar contains an entry for this variant (Variation ID: 281086). An algorithm developed to predict the effect of missense changes on protein structure and function (PolyPhen-2) suggests that this variant is likely to be disruptive. Experimental studies have shown that this missense change affects CAPN3 function (PMID: 36999564). This variant disrupts the p.Leu212 amino acid residue in CAPN3. Other variant(s) that disrupt this residue have been observed in individuals with CAPN3-related conditions (PMID: 17594342), which suggests that this may be a clinically significant amino acid residue. In summary, the available evidence is currently insufficient to determine the role of this variant in disease. Therefore, it has been classified as a Variant of Uncertain Significance.

Eurofins Ntd Llc (ga)
Classification: Uncertain significance. Last evaluated: 2016-08-17. Review status: criteria provided, single submitter. Criteria: EGL Classification Definitions 2015. Collection method: clinical testing. Allele origin: germline. Observed: 2 variant alleles, 2 heterozygotes.

Literature cited by the submitters: PubMed 30564623 (cited by Labcorp Genetics (formerly Invitae), Labcorp); PubMed 36999564 (cited by Labcorp Genetics (formerly Invitae), Labcorp); PubMed 17594342 (cited by Labcorp Genetics (formerly Invitae), Labcorp).

NM_000070.3(CAPN3):c.635T>C (p.Leu212Pro)

Gene: CAPN3 (calpain 3; plus strand). Cytogenetic location: 15q15.1.
Variant type: single nucleotide variant.
Coding change: c.635T>C on transcript NM_000070.3 (MANE Select); coding-DNA position 635, T replaced by C.
Protein change: p.Leu212Pro; replaces leucine 212 with proline.
Molecular consequence: missense variant.
Genome position (GRCh38, 1-based): chr15:42,388,930, T>C. VCF-style: chr15-42388930-T-C. GRCh37 (hg19) VCF-style: chr15-42681128-T-C.
Other names: c.635T>C, p.Leu212Pro (NM_024344.2, NM_173087.2); short protein forms L212P.
Identifiers: ClinVar variation 281086 (VCV000281086.14), dbSNP rs886042100, ClinGen allele CA10603809.